The following is an entry in ClinVar:

NM_001829.4(CLCN3):c.*60del

Gene: CLCN3 (chloride voltage-gated channel 3; plus strand). Cytogenetic location: 4q33.
Variant type: Deletion.
Coding change: c.*60del on transcript NM_001829.4 (MANE Select); 60 bases downstream of the stop codon, one base deleted (A; older notation c.*60delA).
Molecular consequence: 3 prime UTR variant. On other transcripts: frameshift variant (1).
Genome position (GRCh38, 1-based): chr4:169,720,057, A deleted; the last of 2 consecutive A bases (chr4:169,720,056-169,720,057); deleting either gives the same sequence. VCF-style (leftmost placement, unchanged base first): chr4-169720055-CA-C. GRCh37 (hg19) VCF-style: chr4-170641206-CA-C.
Other names: c.*60del (NM_001243372.2, NM_001243374.2); c.2593del, p.Thr865fs (NM_173872.4); short protein forms T865fs.
Identifiers: ClinVar variation 4532412 (VCV004532412.1).

ClinVar aggregate classification (germline): Uncertain significance (1 of 4 stars; one submission).

Submission:

GeneDx
Classification: Uncertain significance. Last evaluated: 2025-05-23. Review status: criteria provided, single submitter. Criteria: GeneDx Variant Classification Process June 2021. Collection method: clinical testing. Allele origin: germline. Affected: yes.
Comment: Not observed at significant frequency in large population cohorts (gnomAD); Frameshift variant predicted to result in abnormal protein length as the last 2 amino acids are replaced with 51 different amino acids with an unclear effect on protein function; Has not been previously published as pathogenic or benign to our knowledge